The following is an entry in ClinVar:

ClinVar aggregate classification (germline): Uncertain significance (1 of 4 stars; one submission).

Submission:

GeneDx
Classification: Uncertain significance. Last evaluated: 2025-03-26. Review status: criteria provided, single submitter. Criteria: GeneDx Variant Classification Process June 2021. Collection method: clinical testing. Allele origin: germline. Affected: yes.
Comment: Not observed at significant frequency in large population cohorts (gnomAD); In silico analysis supports that this missense variant has a deleterious effect on protein structure/function; Has not been previously published as pathogenic or benign to our knowledge

NM_001395159.1(UNC79):c.3688A>C (p.Ser1230Arg)

Gene: UNC79 (unc-79 subunit of NALCN channel complex; plus strand). Cytogenetic location: 14q32.12.
Variant type: single nucleotide variant.
Coding change: c.3688A>C on transcript NM_001395159.1 (MANE Select); coding-DNA position 3688, A replaced by C.
Protein change: p.Ser1230Arg; replaces serine 1230 with arginine.
Molecular consequence: missense variant.
Genome position (GRCh38, 1-based): chr14:93,603,352, A>C. VCF-style: chr14-93603352-A-C. GRCh37 (hg19) VCF-style: chr14-94069698-A-C.
Other names: c.3688A>C, p.Ser1230Arg (NM_001346218.2); c.3157A>C, p.Ser1053Arg (NM_020818.5); short protein forms S1053R, S1230R.
Identifiers: ClinVar variation 4087999 (VCV004087999.1).
Genomic context (GRCh38, chr14:93,603,352, plus strand): 5'-AAGATCAAGAGAGCTCGCTTTGCAAGAAACCGCCAGAAGAGTGTACGTTCCCTGAGGGAC[A>C]GCGTGAAAGGGCCTGTGGAATCCAAGAGGGCGCTCTCCCTCCCTGAGACCCTGACCTCCA-3'
Protein context (NP_001382088.1, residues 1220-1240): RQKSVRSLRD[Ser1230Arg]VKGPVESKRA